The following is an entry in ClinVar:

NM_001330691.3(CEP78):c.133T>A (p.Phe45Ile)

Gene: CEP78 (centrosomal protein 78; plus strand). Cytogenetic location: 9q21.2.
Variant type: single nucleotide variant.
Coding change: c.133T>A on transcript NM_001330691.3 (MANE Select); coding-DNA position 133, T replaced by A.
Protein change: p.Phe45Ile; replaces phenylalanine 45 with isoleucine.
Molecular consequence: missense variant.
Genome position (GRCh38, 1-based): chr9:78,236,483, T>A. VCF-style: chr9-78236483-T-A. GRCh37 (hg19) VCF-style: chr9-80851399-T-A.
Other names: c.133T>A, p.Phe45Ile (NM_001098802.3, NM_001330693.3, NM_001330694.2 and 4 more transcripts); short protein forms F45I.
Identifiers: ClinVar variation 1378267 (VCV001378267.6), dbSNP rs373441923, ClinGen allele CA194768992.

ClinVar aggregate classification (germline): Uncertain significance (1 of 4 stars; one submission).

Allele frequency attached by ClinVar (database versions not stated): TOPMed below 0.00001.
gnomAD v4.1: 2 of 1,607,332 alleles (0.00012%); no homozygotes.

Submission:

Labcorp Genetics (formerly Invitae), Labcorp
Classification: Uncertain significance. Last evaluated: 2024-10-24. Review status: criteria provided, single submitter. Criteria: Invitae Variant Classification Sherloc (09022015). Collection method: clinical testing. Allele origin: germline.
Comment: This sequence change replaces phenylalanine, which is neutral and non-polar, with isoleucine, which is neutral and non-polar, at codon 45 of the CEP78 protein (p.Phe45Ile). This variant is not present in population databases (gnomAD no frequency). This variant has not been reported in the literature in individuals affected with CEP78-related conditions. ClinVar contains an entry for this variant (Variation ID: 1378267). Invitae Evidence Modeling of protein sequence and biophysical properties (such as structural, functional, and spatial information, amino acid conservation, physicochemical variation, residue mobility, and thermodynamic stability) indicates that this missense variant is not expected to disrupt CEP78 protein function with a negative predictive value of 80%. In summary, the available evidence is currently insufficient to determine the role of this variant in disease. Therefore, it has been classified as a Variant of Uncertain Significance.